The following is an entry in ClinVar:

NM_015631.6(TCTN3):c.965C>G (p.Ser322Cys)

Gene: TCTN3 (tectonic family member 3; minus strand). Cytogenetic location: 10q24.1.
Variant type: single nucleotide variant.
Coding change: c.965C>G on transcript NM_015631.6 (MANE Select); coding-DNA position 965, C replaced by G.
Protein change: p.Ser322Cys; replaces serine 322 with cysteine.
Molecular consequence: missense variant. On other transcripts: intron variant (1).
Genome position (GRCh38, 1-based): chr10:95,685,560, G>C on the plus strand (C>G on the coding strand, the complement: TCTN3 is on the minus strand). VCF-style: chr10-95685560-G-C. GRCh37 (hg19) VCF-style: chr10-97445317-G-C.
Other names: c.1019C>G, p.Ser340Cys (NM_001013840.1); c.651+935C>G (NM_001143973.2); short protein forms S340C, S322C.
Identifiers: ClinVar variation 2093390 (VCV002093390.4), dbSNP rs1449600951, ClinGen allele CA377705936.

ClinVar aggregate classification (germline): Uncertain significance (1 of 4 stars; one submission).

Conditions:
Joubert syndrome 18 (JBTS18). Identifiers: Orphanet 2754, MedGen C3553758, MONDO:0013896, OMIM 614815.
Orofacial-digital syndrome IV (OFD4). Also called: BARAITSER-BURN SYNDROME; OFD SYNDROME WITH TIBIAL DEFECTS; OFD SYNDROME, BARAITSER-BURN TYPE; OFDS IV; ORAL-FACIAL-DIGITAL SYNDROME, TYPE IV; Orofaciodigital syndrome IV. Identifiers: Orphanet 2753, MedGen C0406727, MONDO:0009794, OMIM 258860.

Submission:

Labcorp Genetics (formerly Invitae), Labcorp
Classification: Uncertain significance for Joubert syndrome 18; Orofacial-digital syndrome IV. Last evaluated: 2022-10-04. Review status: criteria provided, single submitter. Criteria: Invitae Variant Classification Sherloc (09022015). Collection method: clinical testing. Allele origin: germline.
Comment: Advanced modeling of protein sequence and biophysical properties (such as structural, functional, and spatial information, amino acid conservation, physicochemical variation, residue mobility, and thermodynamic stability) performed at Invitae indicates that this missense variant is expected to disrupt TCTN3 protein function. In summary, the available evidence is currently insufficient to determine the role of this variant in disease. Therefore, it has been classified as a Variant of Uncertain Significance. This variant has not been reported in the literature in individuals affected with TCTN3-related conditions. This variant is not present in population databases (gnomAD no frequency). This sequence change replaces serine, which is neutral and polar, with cysteine, which is neutral and slightly polar, at codon 322 of the TCTN3 protein (p.Ser322Cys).